The following is an entry in ClinVar:

NM_001384474.1(LOXHD1):c.6083dup (p.Glu2029fs)

Gene: LOXHD1 (lipoxygenase homology PLAT domains 1; minus strand). Cytogenetic location: 18q21.1.
Variant type: Duplication.
Coding change: c.6083dup on transcript NM_001384474.1 (MANE Select); coding-DNA position 6083, one base duplicated (G; older notation c.6083dupG).
Protein change: p.Glu2029fs; shifts the reading frame from glutamic acid 2029.
Molecular consequence: frameshift variant.
Genome position (GRCh38, 1-based): chr18:46,485,118, C duplicated on the plus strand (G on the coding strand, the reverse complement: LOXHD1 is on the minus strand); the first of 2 consecutive C bases (chr18:46,485,118-46,485,119); duplicating either gives the same sequence. VCF-style (leftmost placement, unchanged base first): chr18-46485117-G-GC. GRCh37 (hg19) VCF-style: chr18-44065080-G-GC.
Other names: c.2750dup, p.Glu918fs (NM_001145472.3); c.800dup, p.Glu268fs (NM_001145473.3, NM_001173129.2); c.2462dup, p.Glu822fs (NM_001308013.2); c.5897dup, p.Glu1967fs (NM_144612.7); short protein forms E1967fs, E2029fs, E268fs, E822fs, E918fs.
Identifiers: ClinVar variation 4816845 (VCV004816845.1).
Genomic context (GRCh38, chr18:46,485,117, plus strand): 5'-AAACTCTTTGGATCGGTTCTTCCTGCCCTCCAGGATGAGCCAGACGTTCTCCCTGGTTTC[G>GC]CCTCCGTTGCCCGTTTCTATGACGATCTCGTAGGCTGTAATGGAGGAGGTGGGGGAGGGT-3'

ClinVar aggregate classification (germline): Likely pathogenic (1 of 4 stars; one submission).

Conditions:
Autosomal recessive nonsyndromic hearing loss 77. Identifiers: Orphanet 90636, MedGen C2746083, MONDO:0013119, OMIM 613079.

Submission:

Natera, Inc.
Classification: Likely pathogenic for Autosomal recessive deafness type 77. Last evaluated: 2024-08-24. Review status: criteria provided, single submitter. Criteria: Natera Variant Classification Schema (03/2026). Collection method: clinical testing. Allele origin: germline.
Comment: The c.5897dup variant in LOXHD1 is a frameshift variant predicted to shift the reading frame beginning at codon 1967 and leads to a stop codon 27 codons downstream. This variant is expected to result in nonsense mediated decay, truncation, or a dysfunctional protein product. This variant is rare in the general population with a frequency below the threshold expected for the associated phenotype(s). Given the available evidence, this variant is classified as Likely Pathogenic.